The following is an entry in ClinVar:

NM_020975.6(RET):c.2611G>C (p.Val871Leu)

Gene: RET (ret proto-oncogene; plus strand). Cytogenetic location: 10q11.21.
Variant type: single nucleotide variant.
Coding change: c.2611G>C on transcript NM_020975.6 (MANE Select); coding-DNA position 2611, G replaced by C.
Protein change: p.Val871Leu; replaces valine 871 with leucine.
Molecular consequence: missense variant.
Genome position (GRCh38, 1-based): chr10:43,120,084, G>C. VCF-style: chr10-43120084-G-C. GRCh37 (hg19) VCF-style: chr10-43615532-G-C.
Other names: c.2611G>C, p.Val871Leu (NM_000323.2, NM_001406743.1, NM_001406744.1 and 4 more transcripts); c.1849G>C, p.Val617Leu (NM_001355216.2); c.2482G>C, p.Val828Leu (NM_001406761.1, NM_001406762.1, NM_001406764.1); c.2476G>C, p.Val826Leu (NM_001406763.1, NM_001406765.1); c.2323G>C, p.Val775Leu (NM_001406766.1, NM_001406767.1, NM_001406770.1); c.2347G>C, p.Val783Leu (NM_001406768.1); c.2215G>C, p.Val739Leu (NM_001406769.1, NM_001406772.1); c.2173G>C, p.Val725Leu (NM_001406771.1, NM_001406773.1); and 10 more; short protein forms V436L, V617L, V527L, V529L, V629L, V696L, V725L, V828L.
Identifiers: ClinVar variation 2454119 (VCV002454119.2), dbSNP rs145170911, ClinGen allele CA376556957.

ClinVar aggregate classification (germline): Uncertain significance (1 of 4 stars; one submission).

Conditions:
Hereditary cancer-predisposing syndrome. Also called: Neoplastic Syndromes, Hereditary; Hereditary neoplastic syndrome; Tumor predisposition; Hereditary Cancer Syndrome. Identifiers: Orphanet 140162, MedGen C0027672, MeSH D009386, MONDO:0015356.

Submission:

Ambry Genetics
Classification: Uncertain significance for Hereditary cancer-predisposing syndrome. Last evaluated: 2022-11-02. Review status: criteria provided, single submitter. Criteria: Ambry Variant Classification Scheme 2023. Collection method: clinical testing. Allele origin: germline.
Comment: The p.V871L variant (also known as c.2611G>C), located in coding exon 15 of the RET gene, results from a G to C substitution at nucleotide position 2611. The valine at codon 871 is replaced by leucine, an amino acid with highly similar properties. This amino acid position is conserved. In addition, this alteration is predicted to be deleterious by in silico analysis. Since supporting evidence is limited at this time, the clinical significance of this alteration remains unclear.